The following is an entry in ClinVar:

NM_001379291.1(BRD4):c.2071G>A (p.Gly691Ser)

Gene: BRD4 (bromodomain containing 4; minus strand). Cytogenetic location: 19p13.12.
Variant type: single nucleotide variant.
Coding change: c.2071G>A on transcript NM_001379291.1 (MANE Select); coding-DNA position 2071, G replaced by A.
Protein change: p.Gly691Ser; replaces glycine 691 with serine.
Molecular consequence: missense variant.
Genome position (GRCh38, 1-based): chr19:15,254,239, C>T on the plus strand (G>A on the coding strand, the complement: BRD4 is on the minus strand). VCF-style: chr19-15254239-C-T. GRCh37 (hg19) VCF-style: chr19-15365050-C-T.
Other names: c.2071G>A, p.Gly691Ser (NM_001330384.2, NM_001379292.1, NM_014299.3 and 1 more transcripts); c.2071G>A (NM_058243.2); short protein forms G691S.
Identifiers: ClinVar variation 3711960 (VCV003711960.13).

ClinVar aggregate classification (germline): Conflicting classifications of pathogenicity. Review status: criteria provided, conflicting classifications (1 of 4 stars). 3 submissions from 3 submitters: Uncertain significance (2); Likely benign (1). Last evaluated 2025-05-01.

Conditions:
Inborn genetic diseases. Identifiers: MedGen C0950123, MeSH D030342.

gnomAD v4.1: 33 of 1,614,054 alleles (0.002%); highest among the groups gnomAD compares: South Asian, 0.02%; no homozygotes.

Submissions (3):

CeGaT Center for Human Genetics Tuebingen
Classification: Likely benign. Last evaluated: 2025-05-01. Review status: criteria provided, single submitter. Criteria: CeGaT Center For Human Genetics Tuebingen Variant Classification Criteria Version 2. Collection method: clinical testing. Allele origin: germline. Affected: yes. Observed: 1 variant allele.
Comment: BRD4: BS2

Labcorp Genetics (formerly Invitae), Labcorp
Classification: Uncertain significance. Last evaluated: 2025-02-27. Review status: criteria provided, single submitter. Criteria: Invitae Variant Classification Sherloc (09022015). Collection method: clinical testing. Allele origin: germline.
Comment: This sequence change replaces glycine, which is neutral and non-polar, with serine, which is neutral and polar, at codon 691 of the BRD4 protein (p.Gly691Ser). This variant is present in population databases (rs774596084, gnomAD 0.02%). This variant has not been reported in the literature in individuals affected with BRD4-related conditions. Invitae Evidence Modeling of protein sequence and biophysical properties (such as structural, functional, and spatial information, amino acid conservation, physicochemical variation, residue mobility, and thermodynamic stability) indicates that this missense variant is not expected to disrupt BRD4 protein function with a negative predictive value of 80%. In summary, the available evidence is currently insufficient to determine the role of this variant in disease. Therefore, it has been classified as a Variant of Uncertain Significance.

Ambry Genetics
Classification: Uncertain significance for Inborn genetic diseases. Last evaluated: 2024-12-12. Review status: criteria provided, single submitter. Criteria: Ambry Variant Classification Scheme 2023. Collection method: clinical testing. Allele origin: germline.